The following is an entry in ClinVar:

NM_003793.4(CTSF):c.888G>A (p.Trp296Ter)

Gene: CTSF (cathepsin F; minus strand). Cytogenetic location: 11q13.2.
Variant type: single nucleotide variant.
Coding change: c.888G>A on transcript NM_003793.4 (MANE Select); coding-DNA position 888, G replaced by A.
Protein change: p.Trp296Ter; replaces tryptophan 296 with a stop codon.
Molecular consequence: nonsense.
Genome position (GRCh38, 1-based): chr11:66,565,907, C>T on the plus strand (G>A on the coding strand, the complement: CTSF is on the minus strand). VCF-style: chr11-66565907-C-T. GRCh37 (hg19) VCF-style: chr11-66333378-C-T.
Other names: short protein forms W296*.
Identifiers: ClinVar variation 2641996 (VCV002641996.24), dbSNP rs746013208, ClinGen allele CA6125394.

ClinVar aggregate classification (germline): Likely pathogenic (1 of 4 stars; one submission).

Allele frequency attached by ClinVar (database versions not stated): ExAC 0.00001; gnomAD exomes 0.00001.
gnomAD v4.1: 3 of 1,614,046 alleles (0.00019%); highest among the groups gnomAD compares: South Asian, 0.0033%; no homozygotes.

Submission:

CeGaT Center for Human Genetics Tuebingen
Classification: Likely pathogenic. Last evaluated: 2023-07-01. Review status: criteria provided, single submitter. Criteria: CeGaT Center For Human Genetics Tuebingen Variant Classification Criteria Version 2. Collection method: clinical testing. Allele origin: germline. Affected: yes. Observed: 1 variant allele.
Comment: CTSF: PVS1:Strong, PM2